The following is an entry in ClinVar:

ClinVar aggregate classification (germline): Likely benign. Review status: criteria provided, multiple submitters, no conflicts (2 of 4 stars). 7 submissions from 7 submitters: Likely benign (6). 1 of the submissions does not count toward it. Last evaluated 2025-12-03.

Conditions:
Cardiovascular phenotype. Identifiers: MedGen CN230736.
ZNF469-related disorder. Also called: ZNF469-related condition.

Allele frequency attached by ClinVar (database versions not stated): gnomAD 0.00004 and 0.00006; TOPMed 0.00004; gnomAD exomes 0.00008; 1000 Genomes Project 30x 0.00016; 1000 Genomes Project 0.00020.
gnomAD v4.1: 139 of 1,536,810 alleles (0.009%); highest among the groups gnomAD compares: Non-Finnish European, 0.011%; no homozygotes.

Submissions (7):

Labcorp Genetics (formerly Invitae), Labcorp
Classification: Likely benign. Last evaluated: 2025-12-03. Review status: criteria provided, single submitter. Criteria: Invitae Variant Classification Sherloc (09022015). Collection method: clinical testing. Allele origin: germline.

Women's Health and Genetics/Laboratory Corporation of America, LabCorp
Classification: Likely benign. Last evaluated: 2025-01-14. Review status: criteria provided, single submitter. Criteria: LabCorp Variant Classification Summary - May 2015. Collection method: clinical testing. Allele origin: germline.

Blueprint Genetics
Classification: Likely benign. Last evaluated: 2024-07-25. Review status: criteria provided, single submitter. Criteria: ACMG Guidelines, 2015. Collection method: clinical testing. Allele origin: germline.

GeneDx
Classification: Likely benign. Last evaluated: 2021-06-07. Review status: criteria provided, single submitter. Criteria: GeneDx Variant Classification Process June 2021. Collection method: clinical testing. Allele origin: germline. Affected: yes.

CeGaT Center for Human Genetics Tuebingen
Classification: Likely benign. Last evaluated: 2021-03-01. Review status: criteria provided, single submitter. Criteria: CeGaT Center For Human Genetics Tuebingen Variant Classification Criteria Version 2. Collection method: clinical testing. Allele origin: germline. Affected: yes. Observed: 1 variant allele.

Ambry Genetics
Classification: Likely benign for Cardiovascular phenotype. Last evaluated: 2021-01-20. Review status: criteria provided, single submitter. Criteria: Ambry Variant Classification Scheme 2023. Collection method: clinical testing. Allele origin: germline.

PreventionGenetics, part of Exact Sciences
Classification: Likely benign for ZNF469-related condition. Last evaluated: 2020-05-15. Review status: no assertion criteria provided. Collection method: clinical testing. Allele origin: germline. Not counted in ClinVar's aggregate classification.
Comment: This variant is classified as likely benign based on ACMG/AMP sequence variant interpretation guidelines (Richards et al. 2015 PMID: 25741868, with internal and published modifications).

NM_001367624.2(ZNF469):c.81G>A (p.Pro27=)

Gene: ZNF469 (zinc finger protein 469; plus strand). Cytogenetic location: 16q24.2.
Variant type: single nucleotide variant.
Coding change: c.81G>A on transcript NM_001367624.2 (MANE Select); coding-DNA position 81, G replaced by A.
Protein change: p.Pro27=; no amino-acid change (proline 27 retained).
Molecular consequence: synonymous variant.
Genome position (GRCh38, 1-based): chr16:88,427,551, G>A. VCF-style: chr16-88427551-G-A. GRCh37 (hg19) VCF-style: chr16-88493959-G-A.
Other names: NM_001127464.1:c.81G>A; NM_001127464.2:c.81G>A.
Identifiers: ClinVar variation 320847 (VCV000320847.53), dbSNP rs534464702, ClinGen allele CA10644456.
Genomic context (GRCh38, chr16:88,427,551, plus strand): 5'-AGGAGCGCCGCCCCCCACCATGACTGGAGACCTGCAGCCCCGCCAAGTTGCCAGCAGCCC[G>A]GGGCACCCCTCCCAGCCGCCACTGGAGGACAACACCCCAGCTACCAGGACCACCAAGGGT-3'
Protein context (NP_001354553.1, residues 17-37): DLQPRQVASS[Pro27=]GHPSQPPLED